The following is an entry in ClinVar:

ClinVar aggregate classification (germline): Uncertain significance (1 of 4 stars; one submission).

Conditions:
Inborn genetic diseases. Identifiers: MedGen C0950123, MeSH D030342.

gnomAD v4.1: 19 of 1,614,152 alleles (0.0012%); highest among the groups gnomAD compares: Admixed American, 0.023%; no homozygotes.

Submission:

Ambry Genetics
Classification: Uncertain significance for Inborn genetic diseases. Last evaluated: 2022-12-20. Review status: criteria provided, single submitter. Criteria: Ambry Variant Classification Scheme 2023. Collection method: clinical testing. Allele origin: germline.
Comment: The c.1114G>T (p.A372S) alteration is located in exon 5 (coding exon 4) of the NDST1 gene. This alteration results from a G to T substitution at nucleotide position 1114, causing the alanine (A) at amino acid position 372 to be replaced by a serine (S). Based on data from gnomAD, the T allele has an overall frequency of 0.001% (2/251470) total alleles studied. The highest observed frequency was 0.006% (1/16256) of African alleles. This variant has been confirmed in trans with a NDST1 variant of uncertain significance in an individual with developmental delay, hypotonia, poor growth, and ataxia (Ambry internal data; Armstrong, 2017). This amino acid position is not well conserved in available vertebrate species. This alteration is predicted to be tolerated by in silico analysis. Based on insufficient or conflicting evidence, the clinical significance of this alteration remains unclear.

Literature cited by the submitters: PubMed 28211985.

NM_001543.5(NDST1):c.1114G>T (p.Ala372Ser)

Gene: NDST1 (N-deacetylase and N-sulfotransferase 1; plus strand). Cytogenetic location: 5q33.1.
Variant type: single nucleotide variant.
Coding change: c.1114G>T on transcript NM_001543.5 (MANE Select); coding-DNA position 1114, G replaced by T.
Protein change: p.Ala372Ser; replaces alanine 372 with serine.
Molecular consequence: missense variant.
Genome position (GRCh38, 1-based): chr5:150,534,884, G>T. VCF-style: chr5-150534884-G-T. GRCh37 (hg19) VCF-style: chr5-149914446-G-T.
Other names: c.1114G>T, p.Ala372Ser (NM_001301063.2); short protein forms A372S.
Identifiers: ClinVar variation 2367541 (VCV002367541.2), dbSNP rs377365968, ClinGen allele CA361766676.